The following is an entry in ClinVar:

NM_020975.6(RET):c.444C>T (p.Ser148=)

Gene: RET (ret proto-oncogene; plus strand). Cytogenetic location: 10q11.21.
Variant type: single nucleotide variant.
Coding change: c.444C>T on transcript NM_020975.6 (MANE Select); coding-DNA position 444, C replaced by T.
Protein change: p.Ser148=; no amino-acid change (serine 148 retained).
Molecular consequence: synonymous variant. On other transcripts: intron variant (22).
Genome position (GRCh38, 1-based): chr10:43,102,448, C>T. VCF-style: chr10-43102448-C-T. GRCh37 (hg19) VCF-style: chr10-43597896-C-T.
Other names: c.444C>T, p.Ser148= (NM_001406773.1, NM_001406779.1, NM_001406780.1 and 16 more transcripts); c.338-23C>T (NM_001406764.1, NM_001406762.1, NM_001406761.1 and 4 more transcripts); c.337+1726C>T (NM_001406770.1, NM_001406766.1, NM_001406767.1 and 8 more transcripts); c.74-6583C>T (NM_001406784.1); c.74-9651C>T (NM_001406794.1, NM_001406792.1, NM_001406793.1).
Identifiers: ClinVar variation 2703733 (VCV002703733.4), dbSNP rs1554817550, ClinGen allele CA469279451.

ClinVar aggregate classification (germline): Conflicting classifications of pathogenicity. Review status: criteria provided, conflicting classifications (1 of 4 stars). 2 submissions from 2 submitters: Uncertain significance (1); Likely benign (1). Last evaluated 2025-03-25.

Conditions:
Multiple endocrine neoplasia, type 2 (MEN2). Identifiers: Orphanet 653, MedGen C4048306, MONDO:0019003. Disease mechanism: gain of function.
Hereditary cancer-predisposing syndrome. Also called: Hereditary neoplastic syndrome; Neoplastic Syndromes, Hereditary; Hereditary Cancer Syndrome; Tumor predisposition. Identifiers: Orphanet 140162, MedGen C0027672, MeSH D009386, MONDO:0015356.

Submissions (2):

Labcorp Genetics (formerly Invitae), Labcorp
Classification: Likely benign for Multiple endocrine neoplasia, type 2. Last evaluated: 2025-03-25. Review status: criteria provided, single submitter. Criteria: Invitae Variant Classification Sherloc (09022015). Collection method: clinical testing. Allele origin: germline.

Ambry Genetics
Classification: Uncertain significance for Hereditary cancer-predisposing syndrome. Last evaluated: 2024-03-28. Review status: criteria provided, single submitter. Criteria: Ambry Variant Classification Scheme 2023. Collection method: clinical testing. Allele origin: germline.
Comment: The c.444C>T variant (also known as p.S148S), located in coding exon 3 of the RET gene, results from a C to T substitution at nucleotide position 444. This nucleotide substitution does not change the serine residue at codon 148. This nucleotide position is well conserved in available vertebrate species. In silico splice site analysis for this alteration is inconclusive. Based on the available evidence, the clinical significance of this alteration remains unclear.